The following is an entry in ClinVar:

NM_013451.4(MYOF):c.5397C>T (p.Asp1799=)

Gene: MYOF (myoferlin; minus strand). Cytogenetic location: 10q23.33.
Variant type: single nucleotide variant.
Coding change: c.5397C>T on transcript NM_013451.4 (MANE Select); coding-DNA position 5397, C replaced by T.
Protein change: p.Asp1799=; no amino-acid change (aspartic acid 1799 retained).
Molecular consequence: synonymous variant.
Genome position (GRCh38, 1-based): chr10:93,323,137, G>A on the plus strand (C>T on the coding strand, the complement: MYOF is on the minus strand). VCF-style: chr10-93323137-G-A. GRCh37 (hg19) VCF-style: chr10-95082894-G-A.
Other names: c.5358C>T, p.Asp1786= (NM_133337.3).
Identifiers: ClinVar variation 3056007 (VCV003056007.2), dbSNP rs35527060, ClinGen allele CA5606709.

ClinVar aggregate classification (germline): Benign (0 of 4 stars; one submission).

Conditions:
MYOF-related disorder. Also called: MYOF-related condition.

Allele frequency attached by ClinVar (database versions not stated): 1000 Genomes Project 0.02596; 1000 Genomes Project 30x 0.02748; ExAC 0.04199; gnomAD 0.04236; TOPMed 0.04407; ESP Exome Variant Server 0.04628.
gnomAD v4.1: 86,278 of 1,610,416 alleles (5.4%); highest among the groups gnomAD compares: Middle Eastern, 8.8%; 2,803 homozygotes.

Submission:

PreventionGenetics, part of Exact Sciences
Classification: Benign for MYOF-related condition. Last evaluated: 2020-01-24. Review status: no assertion criteria provided. Collection method: clinical testing. Allele origin: germline.
Comment: This variant is classified as benign based on ACMG/AMP sequence variant interpretation guidelines (Richards et al. 2015 PMID: 25741868, with internal and published modifications).